The following is an entry in ClinVar:

NM_005006.7(NDUFS1):c.-64T>C

Genes: NDUFS1 (NADH:ubiquinone oxidoreductase core subunit S1; minus strand), LOC129935473 (ATAC-STARR-seq lymphoblastoid active region 17025; plus strand). Cytogenetic location: 2q33.3.
Variant type: single nucleotide variant.
Coding change: c.-64T>C on transcript NM_005006.7 (MANE Select); 64 bases upstream of the start codon, T replaced by C.
Molecular consequence: 5 prime UTR variant.
Genome position (GRCh38, 1-based): chr2:206,159,400, A>G on the plus strand (T>C on the coding strand, the complement: NDUFS1 is on the minus strand). VCF-style: chr2-206159400-A-G. GRCh37 (hg19) VCF-style: chr2-207024124-A-G.
Other names: c.-64T>C (NM_001199981.2); c.-120T>C (NM_001199982.2); c.-143T>C (NM_001199983.2).
Identifiers: ClinVar variation 896385 (VCV000896385.4), dbSNP rs145023130, ClinGen allele CA63679006.

ClinVar aggregate classification (germline): Conflicting classifications of pathogenicity. Review status: criteria provided, conflicting classifications (1 of 4 stars). 2 submissions from 1 submitter: Uncertain significance (1); Benign (1). Last evaluated 2017-04-27.

Conditions:
Mitochondrial complex I deficiency, nuclear type 1. Also called: NADH-COENZYME Q REDUCTASE DEFICIENCY; MITOCHONDRIAL NADH DEHYDROGENASE COMPONENT OF COMPLEX I, DEFICIENCY OF. Identifiers: MedGen C6022305, MONDO:0100224, OMIM 252010.
Leigh syndrome (NULS). Also called: Leigh Disease; Subacute necrotizing encephalopathy; Necrotizing encephalopathy infantile subacute of Leigh; LEIGH SYNDROME, NUCLEAR; Leigh's syndrome; Leigh's necrotizing encephalopathy. Identifiers: Orphanet 506, MedGen C2931891, MONDO:0009723, OMIM 256000.

Allele frequency attached by ClinVar (database versions not stated): gnomAD 0.00023 and 0.00038; TOPMed 0.00032; gnomAD exomes 0.00074; 1000 Genomes Project 0.00240; 1000 Genomes Project 30x 0.00265.

Submissions (2):

Illumina Laboratory Services, Illumina
Classification: Uncertain significance for Mitochondrial complex I deficiency, nuclear type 1. Last evaluated: 2017-04-27. Review status: criteria provided, single submitter. Criteria: ICSL Variant Classification Criteria 13 December 2019. Collection method: clinical testing. Allele origin: germline.

Illumina Laboratory Services, Illumina
Classification: Benign for Leigh syndrome. Last evaluated: 2017-04-27. Review status: criteria provided, single submitter. Criteria: ICSL Variant Classification Criteria 13 December 2019. Collection method: clinical testing. Allele origin: germline.
Comment: This variant was observed as part of a predisposition screen in an ostensibly healthy population. A literature search was performed for the gene, cDNA change, and amino acid change (where applicable). No publications were found based on this search. Allele frequency data from public databases was too high to be consistent with this variant causing disease. Therefore, this variant is classified as benign.